The following is an entry in ClinVar:

ClinVar aggregate classification (germline): Uncertain significance. Review status: criteria provided, multiple submitters, no conflicts (2 of 4 stars). 2 submissions from 2 submitters: Uncertain significance (2). Last evaluated 2025-01-05.

Conditions:
Ataxia-telangiectasia syndrome (AT). Also called: AT, COMPLEMENTATION GROUP C; Ataxia-telangiectasia, complementation group D; ATAXIA-TELANGIECTASIA, COMPLEMENTATION GROUP A; ATAXIA-TELANGIECTASIA, FRESNO VARIANT; Ataxia-telangiectasia; Ataxia telangiectasia (A-T). Identifiers: Orphanet 100, MedGen C0004135, MONDO:0008840, OMIM 208900.
Hereditary cancer-predisposing syndrome. Also called: Hereditary Cancer Syndrome; Tumor predisposition; Hereditary neoplastic syndrome; Neoplastic Syndromes, Hereditary. Identifiers: Orphanet 140162, MedGen C0027672, MeSH D009386, MONDO:0015356.

Allele frequency attached by ClinVar (database versions not stated): gnomAD exomes below 0.00001.
gnomAD v4.1: 1 of 1,613,202 alleles (0.000062%); highest among the groups gnomAD compares: Non-Finnish European, 0.000085%; no homozygotes.

Submissions (2):

Labcorp Genetics (formerly Invitae), Labcorp
Classification: Uncertain significance for Ataxia-telangiectasia syndrome. Last evaluated: 2025-01-05. Review status: criteria provided, single submitter. Criteria: Invitae Variant Classification Sherloc (09022015). Collection method: clinical testing. Allele origin: germline.
Comment: This sequence change replaces leucine, which is neutral and non-polar, with arginine, which is basic and polar, at codon 318 of the ATM protein (p.Leu318Arg). This variant is not present in population databases (gnomAD no frequency). This variant has not been reported in the literature in individuals affected with ATM-related conditions. ClinVar contains an entry for this variant (Variation ID: 2747314). Invitae Evidence Modeling of protein sequence and biophysical properties (such as structural, functional, and spatial information, amino acid conservation, physicochemical variation, residue mobility, and thermodynamic stability) indicates that this missense variant is not expected to disrupt ATM protein function with a negative predictive value of 95%. In summary, the available evidence is currently insufficient to determine the role of this variant in disease. Therefore, it has been classified as a Variant of Uncertain Significance.

Ambry Genetics
Classification: Uncertain significance for Hereditary cancer-predisposing syndrome. Last evaluated: 2024-03-23. Review status: criteria provided, single submitter. Criteria: Ambry Variant Classification Scheme 2023. Collection method: clinical testing. Allele origin: germline.
Comment: The p.L318R variant (also known as c.953T>G), located in coding exon 7 of the ATM gene, results from a T to G substitution at nucleotide position 953. The leucine at codon 318 is replaced by arginine, an amino acid with dissimilar properties. This amino acid position is conserved. In addition, the in silico prediction for this alteration is inconclusive. Based on the available evidence, the clinical significance of this alteration remains unclear.

NM_000051.4(ATM):c.953T>G (p.Leu318Arg)

Gene: ATM (ATM serine/threonine kinase; plus strand). Cytogenetic location: 11q22.3.
Variant type: single nucleotide variant.
Coding change: c.953T>G on transcript NM_000051.4 (MANE Select); coding-DNA position 953, T replaced by G.
Protein change: p.Leu318Arg; replaces leucine 318 with arginine.
Molecular consequence: missense variant.
Genome position (GRCh38, 1-based): chr11:108,247,015, T>G. VCF-style: chr11-108247015-T-G. GRCh37 (hg19) VCF-style: chr11-108117742-T-G.
Other names: c.953T>G, p.Leu318Arg (NM_001351834.2); short protein forms L318R.
Identifiers: ClinVar variation 2747314 (VCV002747314.4), dbSNP rs2135266038, ClinGen allele CA382530904.